The following is an entry in ClinVar:

ClinVar aggregate classification (germline): Pathogenic (1 of 4 stars; one submission).

Submission:

GeneDx
Classification: Pathogenic. Last evaluated: 2023-06-28. Review status: criteria provided, single submitter. Criteria: GeneDx Variant Classification Process June 2021. Collection method: clinical testing. Allele origin: germline. Affected: yes.
Comment: Canonical splice site variant predicted to result in an in-frame loss of the adjacent exon in a gene for which loss of function is a known mechanism of disease; Not observed at significant frequency in large population cohorts (gnomAD); Has not been previously published as pathogenic or benign to our knowledge

NM_001148.6(ANK2):c.4248+1G>T

Gene: ANK2 (ankyrin 2; plus strand). Cytogenetic location: 4q26.
Variant type: single nucleotide variant.
Coding change: c.4248+1G>T on transcript NM_001148.6 (MANE Select); the canonical splice donor site of the intron after coding-DNA position 4248, G replaced by T.
Molecular consequence: splice donor variant.
Genome position (GRCh38, 1-based): chr4:113,343,143, G>T. VCF-style: chr4-113343143-G-T. GRCh37 (hg19) VCF-style: chr4-114264299-G-T.
Other names: c.4233+1G>T (NM_001386186.2, NM_001386148.2); c.4035+1G>T (NM_001354269.3); c.4113+1G>T (NM_001386187.2); c.4107+1G>T (NM_001386147.1, NM_001354261.2); c.4092+1G>T (NM_001386160.1); c.4197+1G>T (NM_001354254.2); c.4218+1G>T (NM_001354239.2, NM_001354252.2); c.4119+1G>T (NM_001354272.2); and 31 more.
Identifiers: ClinVar variation 3340753 (VCV003340753.1).